The following is an entry in ClinVar:

NM_000051.3:c.3055_3056insAlu

Gene: ATM (ATM serine/threonine kinase; plus strand). Cytogenetic location: 11q22.3.
Variant type: Insertion.
Identifiers: ClinVar variation 870266 (VCV000870266.1).

ClinVar aggregate classification (germline): Pathogenic (1 of 4 stars; one submission).

Conditions:
Ataxia-telangiectasia syndrome (AT). Also called: Cerebello-oculocutaneous telangiectasia; Immunodeficiency with ataxia telangiectasia; Ataxia-telangiectasia, complementation group D; AT, COMPLEMENTATION GROUP C; Ataxia-telangiectasia; LOUIS-BAR SYNDROME. Identifiers: Orphanet 100, MedGen C0004135, MONDO:0008840, OMIM 208900.

Submission:

Labcorp Genetics (formerly Invitae), Labcorp
Classification: Pathogenic for Ataxia-telangiectasia syndrome. Last evaluated: 2019-12-11. Review status: criteria provided, single submitter. Criteria: Invitae Variant Classification Sherloc (09022015). Collection method: clinical testing. Allele origin: germline.
Comment: This sequence change inserts a large fragment of DNA, likely a transposable element, in exon 20 of the ATM gene (c.3055_3056insAlu), causing a frameshift at codon 1019 (p.Leu1019fs). The exact size and sequence of the insertion cannot be determined by the current assay. However, the insertion is expected to result in an absent or disrupted protein product. This variant has not been reported in the literature in individuals with ATM-related disease. Retrotransposon insertions including LINE1 (L1), Alu, and SVA (SINE-VNTR-Alu) have been reported to be disease-causing through disruption of either a coding region or splice site (PMID: 19763152, 20307669, 22406018) and loss-of-function variants in ATM are known to be pathogenic (PMID: 23807571, 25614872). For these reasons, this variant has been classified as Pathogenic.

Literature cited by the submitters: PubMed 25614872; PubMed 20307669; PubMed 22406018; PubMed 23807571; PubMed 19763152.